The following is an entry in ClinVar:

ClinVar aggregate classification (germline): Pathogenic. Review status: criteria provided, multiple submitters, no conflicts (2 of 4 stars). 4 submissions from 4 submitters: Pathogenic (4). Last evaluated 2025-10-23.

Conditions:
Hereditary cancer-predisposing syndrome. Also called: Tumor predisposition; Neoplastic Syndromes, Hereditary; Hereditary Cancer Syndrome; Hereditary neoplastic syndrome. Identifiers: Orphanet 140162, MedGen C0027672, MeSH D009386, MONDO:0015356.
Cardiovascular phenotype. Identifiers: MedGen CN230736.
Neurofibromatosis, type 1 (NF1). Also called: Neurofibromatosis, type I; NEUROFIBROMATOSIS, TYPE I, SOMATIC; Peripheral type neurofibromatosis; VON RECKLINGHAUSEN DISEASE. Identifiers: Orphanet 636, MedGen C0027831, MONDO:0018975, OMIM 162200. Disease mechanism: loss of function.

Submissions (5):

Labcorp Genetics (formerly Invitae), Labcorp
Classification: Pathogenic for Neurofibromatosis, type 1. Last evaluated: 2025-10-23. Review status: criteria provided, single submitter. Criteria: Invitae Variant Classification Sherloc (09022015). Collection method: clinical testing. Allele origin: germline.
Comment: This sequence change affects an acceptor splice site in intron 41 of the NF1 gene. It is expected to disrupt RNA splicing. Variants that disrupt the donor or acceptor splice site typically lead to a loss of protein function (PMID: 16199547), and loss-of-function variants in NF1 are known to be pathogenic (PMID: 10712197, 23913538). This variant is not present in population databases (gnomAD no frequency). Disruption of this splice site has been observed in individual(s) with clinical features of neurofibromatosis type 1 (PMID: 16740526, 26178382). In at least one individual the variant was observed to be de novo. Invitae Evidence Modeling of clinical and family history, age, sex, and reported ancestry of multiple individuals with this NF1 variant has been performed. This variant is expected to be pathogenic with a positive predictive value of at least 99%. This is a validated machine learning model that incorporates the clinical features of 1,785,918 individuals referred to our laboratory for NF1 testing. ClinVar contains an entry for this variant (Variation ID: 404510). Algorithms developed to predict the effect of sequence changes on RNA splicing suggest that this variant may disrupt the consensus splice site. For these reasons, this variant has been classified as Pathogenic.

Ambry Genetics
Classification: Pathogenic for Cardiovascular phenotype; Hereditary cancer-predisposing syndrome. Last evaluated: 2025-09-18. Review status: criteria provided, single submitter. Criteria: Ambry Variant Classification Scheme 2023. Collection method: clinical testing. Allele origin: germline.
Comment: The c.6365-2A>G intronic pathogenic mutation results from an A to G substitution two nucleotides before coding exon 42 of the NF1 gene. This variant was reported in individual(s) with features consistent with Neurofibromatosis type I (Rojnueangnit K et al. Hum Mutat 2015 Nov;36(11):1052-63; Ambry internal data). This variant is considered to be rare based on population cohorts in the Genome Aggregation Database (gnomAD). This nucleotide position is highly conserved in available vertebrate species. In silico splice site analysis predicts that this alteration will weaken the native splice acceptor site; however, direct evidence is insufficient at this time (Ambry internal data). Alterations that disrupt the canonical splice site are expected to cause aberrant splicing, resulting in an abnormal protein or a transcript that is subject to nonsense-mediated mRNA decay. As such, this alteration is classified as a disease-causing mutation.

Genome-Nilou Lab
Classification: Pathogenic for Neurofibromatosis, type 1. Last evaluated: 2022-03-15. Review status: criteria provided, single submitter. Criteria: ACMG Guidelines, 2015. Collection method: clinical testing. Allele origin: germline. Affected: no.

ARUP Laboratories, Molecular Genetics and Genomics, ARUP Laboratories
Classification: Pathogenic. Last evaluated: 2020-10-19. Review status: criteria provided, single submitter. Criteria: ARUP Molecular Germline Variant Investigation Process 2021. Collection method: clinical testing. Allele origin: germline.
Comment: The NF1 c.6428-2A>G variant (rs1060500312) is reported in the literature in several individuals affected with neurofibromatosis type 1, including at least one individual in which the variant occurred de novo (Altarescu 2006, Rojnueangnit 2015). This variant is absent from general population databases (Exome Variant Server, Genome Aggregation Database), indicating it is not a common polymorphism. This variant abolishes the canonical splice acceptor site of intron 42, which is likely to disrupt gene function. Based on available information, this variant is considered to be pathogenic. References: Altarescu G et al. Single-sperm analysis for haplotype construction of de-novo paternal mutations: application to PGD for neurofibromatosis type 1. Hum Reprod. 2006 Aug;21(8):2047-51. Rojnueangnit K et al. High Incidence of Noonan Syndrome Features Including Short Stature and Pulmonic Stenosis in Patients carrying NF1 Missense Mutations Affecting p.Arg1809: Genotype-Phenotype Correlation. Hum Mutat. 2015 Nov;36(11):1052-63.

Dr. Peter K. Rogan Lab, Western University
No classification provided (evidence only). Condition: Melanoma. Review status: no classification provided. Collection method: in vitro. Allele origin: not applicable. Functional consequence: skipped exon. Not counted in ClinVar's aggregate classification.

Literature cited by the submitters: PubMed 16199547 (cited by Labcorp Genetics (formerly Invitae), Labcorp); PubMed 10712197 (cited by Labcorp Genetics (formerly Invitae), Labcorp); PubMed 23913538 (cited by Labcorp Genetics (formerly Invitae), Labcorp); PubMed 16740526 (cited by Labcorp Genetics (formerly Invitae), Labcorp); PubMed 26178382 (cited by Labcorp Genetics (formerly Invitae), Labcorp).

NM_001042492.3(NF1):c.6428-2A>G

Gene: NF1 (neurofibromin 1; plus strand). Cytogenetic location: 17q11.2.
Variant type: single nucleotide variant.
Coding change: c.6428-2A>G on transcript NM_001042492.3 (MANE Select); the canonical splice acceptor site of the intron before coding-DNA position 6428, A replaced by G.
Molecular consequence: splice acceptor variant.
Genome position (GRCh38, 1-based): chr17:31,337,366, A>G. VCF-style: chr17-31337366-A-G. GRCh37 (hg19) VCF-style: chr17-29664384-A-G.
Other names: c.6365-2A>G (NM_000267.4).
Identifiers: ClinVar variation 404510 (VCV000404510.20), dbSNP rs1060500312, ClinGen allele CA16615664.